The following is an entry in ClinVar:

ClinVar aggregate classification (germline): Uncertain significance (1 of 4 stars; one submission).

Submission:

Labcorp Genetics (formerly Invitae), Labcorp
Classification: Uncertain significance. Last evaluated: 2022-05-07. Review status: criteria provided, single submitter. Criteria: Invitae Variant Classification Sherloc (09022015). Collection method: clinical testing. Allele origin: germline.
Comment: This sequence change replaces proline, which is neutral and non-polar, with leucine, which is neutral and non-polar, at codon 260 of the ERCC6 protein (p.Pro260Leu). This variant is not present in population databases (gnomAD no frequency). This variant has not been reported in the literature in individuals affected with ERCC6-related conditions. Algorithms developed to predict the effect of missense changes on protein structure and function (SIFT, PolyPhen-2, Align-GVGD) all suggest that this variant is likely to be disruptive. In summary, the available evidence is currently insufficient to determine the role of this variant in disease. Therefore, it has been classified as a Variant of Uncertain Significance.

NM_000124.4(ERCC6):c.779C>T (p.Pro260Leu)

Gene: ERCC6 (ERCC excision repair 6, chromatin remodeling factor; minus strand). Cytogenetic location: 10q11.23.
Variant type: single nucleotide variant.
Coding change: c.779C>T on transcript NM_000124.4 (MANE Select); coding-DNA position 779, C replaced by T.
Protein change: p.Pro260Leu; replaces proline 260 with leucine.
Molecular consequence: missense variant.
Genome position (GRCh38, 1-based): chr10:49,524,651, G>A on the plus strand (C>T on the coding strand, the complement: ERCC6 is on the minus strand). VCF-style: chr10-49524651-G-A. GRCh37 (hg19) VCF-style: chr10-50732697-G-A.
Other names: c.779C>T, p.Pro260Leu (NM_001277058.2, NM_001277059.2, NM_001346440.2); short protein forms P260L.
Identifiers: ClinVar variation 2135107 (VCV002135107.4), dbSNP rs1837267241, ClinGen allele CA376754865.